The following is an entry in ClinVar:

ClinVar aggregate classification (germline): Uncertain significance. Review status: criteria provided, multiple submitters, no conflicts (2 of 4 stars). 4 submissions from 4 submitters: Uncertain significance (4). Last evaluated 2025-11-15.

Conditions:
Inborn genetic diseases. Identifiers: MedGen C0950123, MeSH D030342.

Allele frequency attached by ClinVar (database versions not stated): ExAC 0.00006; gnomAD 0.00004 and 0.00003; gnomAD exomes 0.00005 and 0.00010; TOPMed 0.00006.

Submissions (4):

Labcorp Genetics (formerly Invitae), Labcorp
Classification: Uncertain significance. Last evaluated: 2025-11-15. Review status: criteria provided, single submitter. Criteria: Invitae Variant Classification Sherloc (09022015). Collection method: clinical testing. Allele origin: germline.
Comment: This sequence change replaces arginine, which is basic and polar, with histidine, which is basic and polar, at codon 225 of the CSF2RB protein (p.Arg225His). This variant is present in population databases (rs753738312, gnomAD 0.01%). This variant has not been reported in the literature in individuals affected with CSF2RB-related conditions. ClinVar contains an entry for this variant (Variation ID: 1014992). Invitae Evidence Modeling of protein sequence and biophysical properties (such as structural, functional, and spatial information, amino acid conservation, physicochemical variation, residue mobility, and thermodynamic stability) indicates that this missense variant is not expected to disrupt CSF2RB protein function with a negative predictive value of 80%. In summary, the available evidence is currently insufficient to determine the role of this variant in disease. Therefore, it has been classified as a Variant of Uncertain Significance.

Ambry Genetics
Classification: Uncertain significance for Inborn genetic diseases. Last evaluated: 2025-09-11. Review status: criteria provided, single submitter. Criteria: Ambry Variant Classification Scheme 2023. Collection method: clinical testing. Allele origin: germline.

Blueprint Genetics
Classification: Uncertain significance. Last evaluated: 2024-11-27. Review status: criteria provided, single submitter. Criteria: ACMG Guidelines, 2015. Collection method: clinical testing. Allele origin: germline.

Breakthrough Genomics
Classification: Uncertain significance. Review status: criteria provided, single submitter. Criteria: ACMG Guidelines, 2015. Collection method: not provided. Allele origin: germline. Inheritance: Autosomal dominant inheritance. Affected: yes.

NM_000395.3(CSF2RB):c.674G>A (p.Arg225His)

Gene: CSF2RB (colony stimulating factor 2 receptor subunit beta; plus strand). Cytogenetic location: 22q12.3.
Variant type: single nucleotide variant.
Coding change: c.674G>A on transcript NM_000395.3 (MANE Select); coding-DNA position 674, G replaced by A.
Protein change: p.Arg225His; replaces arginine 225 with histidine.
Molecular consequence: missense variant.
Genome position (GRCh38, 1-based): chr22:36,929,763, G>A. VCF-style: chr22-36929763-G-A. GRCh37 (hg19) VCF-style: chr22-37325805-G-A.
Other names: c.674G>A (NM_000395.2); short protein forms R225H.
Identifiers: ClinVar variation 1014992 (VCV001014992.11), dbSNP rs753738312, ClinGen allele CA10213541.